The following is an entry in ClinVar:

ClinVar aggregate classification (germline): Uncertain significance (1 of 4 stars; one submission).

Conditions:
PLXNA2-related disorder. Also called: PLXNA2-related condition.

gnomAD v4.1: 3 of 1,614,238 alleles (0.00019%); highest among the groups gnomAD compares: Non-Finnish European, 0.00025%; no homozygotes.

Submission:

PreventionGenetics, part of Exact Sciences
Classification: Uncertain significance for PLXNA2-related condition. Last evaluated: 2024-12-16. Review status: criteria provided, single submitter. Criteria: ACMG Guidelines, 2015. Collection method: clinical testing. Allele origin: germline.
Comment: The PLXNA2 c.1067G>A variant is predicted to result in the amino acid substitution p.Cys356Tyr. To our knowledge, this variant has not been reported in the literature or in a large population database (gnomAD), indicating this variant is rare. At this time, the clinical significance of this variant is uncertain due to the absence of conclusive functional and genetic evidence.

NM_025179.4(PLXNA2):c.1067G>A (p.Cys356Tyr)

Gene: PLXNA2 (plexin A2; minus strand). Cytogenetic location: 1q32.2.
Variant type: single nucleotide variant.
Coding change: c.1067G>A on transcript NM_025179.4 (MANE Select); coding-DNA position 1067, G replaced by A.
Protein change: p.Cys356Tyr; replaces cysteine 356 with tyrosine.
Molecular consequence: missense variant.
Genome position (GRCh38, 1-based): chr1:208,216,856, C>T on the plus strand (G>A on the coding strand, the complement: PLXNA2 is on the minus strand). VCF-style: chr1-208216856-C-T. GRCh37 (hg19) VCF-style: chr1-208390201-C-T.
Other names: short protein forms C356Y.
Identifiers: ClinVar variation 4987593 (VCV004987593.1).
Genomic context (GRCh38, chr1:208,216,856, plus strand): 5'-TGGTAGCAGGACTGCAGGCGCTCCTTGATCTGCAAGTTGATGGCCCGGATAGGGAAGGCA[C>T]ACAGGGCAGAGTCATCGGGCGGGTGGTGATACTGCTTCTGCCCTTTGGAGAAGATGGCAA-3'
Protein context (NP_079455.3, residues 346-366): YHHPPDDSAL[Cys356Tyr]AFPIRAINLQ